The following is an entry in ClinVar:

ClinVar aggregate classification (germline): Uncertain significance (1 of 4 stars; one submission).

Conditions:
Cardiovascular phenotype. Identifiers: MedGen CN230736.

Allele frequency attached by ClinVar (database versions not stated): ExAC 0.00001.

Submission:

Ambry Genetics
Classification: Uncertain significance for Cardiovascular phenotype. Last evaluated: 2023-04-03. Review status: criteria provided, single submitter. Criteria: Ambry Variant Classification Scheme 2023. Collection method: clinical testing. Allele origin: germline.
Comment: The p.Q2531P variant (also known as c.7592A>C), located in coding exon 24 of the DSP gene, results from an A to C substitution at nucleotide position 7592. The glutamine at codon 2531 is replaced by proline, an amino acid with similar properties. This amino acid position is conserved. In addition, the in silico prediction for this alteration is inconclusive. Since supporting evidence is limited at this time, the clinical significance of this alteration remains unclear.

NM_004415.4(DSP):c.7592A>C (p.Gln2531Pro)

Gene: DSP (desmoplakin; plus strand). Cytogenetic location: 6p24.3.
Variant type: single nucleotide variant.
Coding change: c.7592A>C on transcript NM_004415.4 (MANE Select); coding-DNA position 7592, A replaced by C.
Protein change: p.Gln2531Pro; replaces glutamine 2531 with proline.
Molecular consequence: missense variant.
Genome position (GRCh38, 1-based): chr6:7,584,854, A>C. VCF-style: chr6-7584854-A-C. GRCh37 (hg19) VCF-style: chr6-7585087-A-C.
Other names: c.5795A>C, p.Gln1932Pro (NM_001008844.3); c.6263A>C, p.Gln2088Pro (NM_001319034.2); short protein forms Q2531P, Q2088P, Q1932P.
Identifiers: ClinVar variation 2567518 (VCV002567518.2), dbSNP rs747885135, ClinGen allele CA050216.